The following is an entry in ClinVar:

NM_000274.4(OAT):c.1192C>T (p.Arg398Ter)

Gene: OAT (ornithine aminotransferase; minus strand). Cytogenetic location: 10q26.13.
Variant type: single nucleotide variant.
Coding change: c.1192C>T on transcript NM_000274.4 (MANE Select); coding-DNA position 1192, C replaced by T.
Protein change: p.Arg398Ter; replaces arginine 398 with a stop codon.
Molecular consequence: nonsense.
Genome position (GRCh38, 1-based): chr10:124,398,070, G>A on the plus strand (C>T on the coding strand, the complement: OAT is on the minus strand). VCF-style: chr10-124398070-G-A. GRCh37 (hg19) VCF-style: chr10-126086639-G-A.
Other names: c.778C>T, p.Arg260Ter (NM_001171814.2); c.1192C>T, p.Arg398Ter (NM_001322965.2, NM_001322966.2, NM_001322967.2 and 3 more transcripts); c.871C>T, p.Arg291Ter (NM_001322971.2); c.592C>T, p.Arg198Ter (NM_001322974.2); short protein forms R398*, R291*, R198*, R260*.
Identifiers: ClinVar variation 456519 (VCV000456519.14), dbSNP rs200068769, ClinGen allele CA5733296.
Genomic context (GRCh38, chr10:124,398,070, plus strand): 5'-GCGGAGGCGCAAACCTGATAATGTCGCCATGGGTTGGCTTGGCCAGAAGTCCATTATCTC[G>A]AAGTCGTAGACACACCTTCCAAGCATCCCAATCTAAAGAAAAATAGTAAAACGTACATGC-3'

ClinVar aggregate classification (germline): Pathogenic. Review status: criteria provided, multiple submitters, no conflicts (2 of 4 stars). 6 submissions from 6 submitters: Pathogenic (6). Last evaluated 2026-07-21.

Conditions:
Ornithine aminotransferase deficiency (GACR). Also called: OKT DEFICIENCY; HYPERORNITHINEMIA WITH GYRATE ATROPHY OF CHOROID AND RETINA; OAT DEFICIENCY; Ornithine ketoacid aminotransferase deficiency; Gyrate atrophy; Gyrate atrophy of choroid and retina. Identifiers: Orphanet 414, MedGen C0018425, MONDO:0009796, OMIM 258870.
Hyperornithinemia. Also called: Ornithinemia. Identifiers: MedGen C0599035, HP:0012026.

Allele frequency attached by ClinVar (database versions not stated): gnomAD 0.00001; gnomAD exomes 0.00001; ExAC 0.00002; TOPMed 0.00002; 1000 Genomes Project 0.00020; 1000 Genomes Project 30x 0.00031.
gnomAD v4.1: 9 of 1,614,020 alleles (0.00056%); highest among the groups gnomAD compares: East Asian, 0.0045%; no homozygotes.

Submissions (6):

Myriad Genetics, Inc.
Classification: Pathogenic for Ornithine aminotransferase deficiency. Last evaluated: 2026-07-21. Review status: criteria provided, single submitter. Criteria: Myriad Autosomal Dominant, Autosomal Recessive and X-Linked Classification Criteria (2023). Collection method: clinical testing. Allele origin: unknown.
Comment: NM_000274.3(OAT):c.1192C>T(R398*) is a nonsense variant classified as pathogenic in the context of ornithine aminotransferase deficiency. R398* has been observed in cases with relevant disease (PMID: 7887415, 33463379, 16151897). Relevant functional assessments of this variant are not available in the literature. R398* has been observed in referenced population frequency databases. In summary, NM_000274.3(OAT):c.1192C>T(R398*) is a nonsense variant that has been observed more frequently in cases with the relevant disease than in healthy populations. Please note: this variant was assessed in the context of healthy population screening.

Natera, Inc.
Classification: Pathogenic for Gyrate atrophy. Last evaluated: 2025-05-01. Review status: criteria provided, single submitter. Criteria: Natera Variant Classification Schema (03/2026). Collection method: clinical testing. Allele origin: germline.
Comment: The c.1192C>T variant in OAT is a nonsense variant predicted to introduce a stop codon at amino acid 398. This variant is expected to result in nonsense mediated decay, truncation, or a dysfunctional protein product. This variant is rare in the general population with a frequency below the threshold expected for the associated phenotype(s). This variant has been observed in one or more individuals affected with the associated recessive disease, as either homozygous or compound heterozygous with a second variant (PMID: 7887415, 16151897, 37667371, 39053126). Given the available evidence, this variant is classified as Pathogenic.

Baylor Genetics
Classification: Pathogenic for Ornithine aminotransferase deficiency. Last evaluated: 2024-03-17. Review status: criteria provided, single submitter. Criteria: ACMG Guidelines, 2015. Collection method: clinical testing. Allele origin: unknown.

Labcorp Genetics (formerly Invitae), Labcorp
Classification: Pathogenic for Ornithine aminotransferase deficiency. Last evaluated: 2022-10-01. Review status: criteria provided, single submitter. Criteria: Invitae Variant Classification Sherloc (09022015). Collection method: clinical testing. Allele origin: germline.
Comment: This sequence change creates a premature translational stop signal (p.Arg398*) in the OAT gene. While this is not anticipated to result in nonsense mediated decay, it is expected to disrupt the last 42 amino acid(s) of the OAT protein. This variant is present in population databases (rs200068769, gnomAD 0.006%). This premature translational stop signal has been observed in individuals with gyrate atrophy of the choroid and the retina (PMID: 7887415). ClinVar contains an entry for this variant (Variation ID: 456519). Algorithms developed to predict the effect of variants on protein structure and function are not available or were not evaluated for this variant. Experimental studies have shown that this premature translational stop signal affects OAT function (PMID: 7887415, 23076989). For these reasons, this variant has been classified as Pathogenic.

Women's Health and Genetics/Laboratory Corporation of America, LabCorp
Classification: Pathogenic for Hyperornithinemia. Last evaluated: 2022-09-28. Review status: criteria provided, single submitter. Criteria: LabCorp Variant Classification Summary - May 2015. Collection method: clinical testing. Allele origin: germline.
Comment: Variant summary: OAT c.1192C>T (p.Arg398X) results in a premature termination codon, predicted to cause a truncation of the encoded protein or absence of the protein. Truncations downstream of this position have been classified as pathogenic in ClinVar and is associated with Gyrate atrophy in HGMD. The variant allele was found at a frequency of 8e-06 in 250954 control chromosomes (gnomAD). c.1192C>T has been reported in the literature in individuals affected with Ornithine Aminotransferase Deficiency (examples: Michaud_1995 and Cleary_2005). These data indicate that the variant is associated with disease. Multiple publications have provided experimental evidence that this variant abolishes the protein function (example: Doimo_2012 and Cleary_2005). Two clinical diagnostic laboratories have submitted clinical-significance assessments for this variant to ClinVar after 2014 and classified the variant as pathogenic. Based on the evidence outlined above, the variant was classified as pathogenic.

Neuberg Centre For Genomic Medicine, NCGM
Classification: Pathogenic for Ornithine aminotransferase deficiency. Review status: criteria provided, single submitter. Criteria: ACMG Guidelines, 2015. Collection method: clinical testing. Allele origin: germline. Inheritance: Autosomal recessive inheritance. Affected: yes.
Comment: The stop gained variant c.1192C>T (p.Arg398Ter) in OAT gene has been reported in an individual affected with gyrate atrophy of the choroid and the retina (Michaud J et.al.,1995). Experimental studies have shown that this nonsense change leads to a drastic reduction of the OAT enzymatic activity (Doimo M et.al.,2013). This variant has been reported to the ClinVar database as Pathogenic. The p.Arg398Ter variant is novel (not in any individuals) in 1000 Genomes and allele frequency of 0.000797% is reported in gnomAD. The nucleotide change in OAT is predicted as conserved by GERP++ and PhyloP across 100 vertebrates. For these reasons, this variant has been classified as Pathogenic

Literature cited by the submitters: PubMed 16151897 (cited by 3 submitters); PubMed 33463379 (cited by Myriad Genetics, Inc.); PubMed 7887415 (cited by 4 submitters); PubMed 37667371 (cited by Natera, Inc.); PubMed 39053126 (cited by Natera, Inc.); PubMed 23076989 (cited by Labcorp Genetics (formerly Invitae), Labcorp and Women's Health and Genetics/Laboratory Corporation of America, LabCorp).